The following is an entry in ClinVar:

ClinVar aggregate classification (germline): Conflicting classifications of pathogenicity. Review status: criteria provided, conflicting classifications (1 of 4 stars). 3 submissions from 3 submitters: Likely pathogenic (2); Uncertain significance (1). Last evaluated 2026-01-27.

Conditions:
Hypertrophic cardiomyopathy 1 (CMH1). Also called: Familial hypertrophic cardiomyopathy 1; MYH7-Related Familial Hypertrophic Cardiomyopathy. Identifiers: MedGen C3495498, MONDO:0008647, OMIM 192600.
Myopathy, myosin storage, autosomal recessive (CMYO7B). Also called: CONGENITAL MYOPATHY 7B, MYOSIN STORAGE, AUTOSOMAL RECESSIVE. Identifiers: Orphanet 636970, MedGen C1850709, MONDO:0009708, OMIM 255160.
Dilated cardiomyopathy 1S (CMD1S). Identifiers: Orphanet 154, Orphanet 54260, MedGen C1834481, MONDO:0013262, OMIM 613426.
MYH7-related skeletal myopathy. Also called: MYOPATHY, DISTAL, EARLY-ONSET, AUTOSOMAL DOMINANT; MYOPATHY, LATE DISTAL HEREDITARY; Myopathy, distal, 1; Laing distal myopathy; Laing early-onset distal myopathy. Identifiers: Orphanet 59135, MedGen C4552004, MONDO:0008050, OMIM 160500.
Myosin storage myopathy (CMYO7A). Also called: MYOPATHY WITH LYSIS OF TYPE I MYOFIBRILS; MYH7-related late-onset scapuloperoneal muscular dystrophy; Congenital myopathy 7A, myosin storage, autosomal dominant; MYOPATHY, HYALINE BODY, AUTOSOMAL DOMINANT; Scapuloperoneal myopathy, MYH7-related; SCAPULOPERONEAL MUSCULAR DYSTROPHY. Identifiers: Orphanet 437572, Orphanet 636965, MedGen C1842160, MONDO:0008409, OMIM 608358.
Cardiomyopathy (CMYO). Also called: Cardiomyopathies. Identifiers: Orphanet 167848, MedGen C0878544, MONDO:0004994, HP:0001638. Inheritance: Various modes of inheritance.
Hypertrophic cardiomyopathy. Also called: HYPERTROPHIC MYOCARDIOPATHY. Identifiers: Orphanet 217569, MedGen C0007194, MeSH D002312, MONDO:0005045, HP:0001639.

Submissions (3):

Labcorp Genetics (formerly Invitae), Labcorp
Classification: Likely pathogenic for Hypertrophic cardiomyopathy. Last evaluated: 2026-01-27. Review status: criteria provided, single submitter. Criteria: Invitae Variant Classification Sherloc (09022015). Collection method: clinical testing. Allele origin: germline.
Comment: This sequence change replaces arginine, which is basic and polar, with proline, which is neutral and non-polar, at codon 143 of the MYH7 protein (p.Arg143Pro). This variant is not present in population databases (gnomAD no frequency). This missense change has been observed in individual(s) with hypertrophic cardiomyopathy (PMID: 30297972). ClinVar contains an entry for this variant (Variation ID: 1501114). Invitae Evidence Modeling of protein sequence and biophysical properties (such as structural, functional, and spatial information, amino acid conservation, physicochemical variation, residue mobility, and thermodynamic stability) indicates that this missense variant is expected to disrupt MYH7 protein function with a positive predictive value of 95%. This variant disrupts the p.Arg143 amino acid residue in MYH7. Other variant(s) that disrupt this residue have been determined to be pathogenic (PMID: 15358028, 15563892, 21252143, 22765922, 24093860). This suggests that this residue is clinically significant, and that variants that disrupt this residue are likely to be disease-causing. In summary, the currently available evidence indicates that the variant is pathogenic, but additional data are needed to prove that conclusively. Therefore, this variant has been classified as Likely Pathogenic.

All of Us Research Program, National Institutes of Health
Classification: Uncertain significance for Cardiomyopathy. Last evaluated: 2024-06-11. Review status: criteria provided, single submitter. Criteria: ACMG Guidelines, 2015. Collection method: clinical testing. Allele origin: germline. Inheritance: Autosomal dominant inheritance. Observed: 1 variant allele, 1 heterozygote.
Comment: This study involves interpretation of variants in research participants for the purpose of population health screening. Participant phenotype was not available at the time of variant classification. Additional details can be found in publication PMID: 35346344, PMCID: PMC8962531

Fulgent Genetics
Classification: Likely pathogenic for MYH7-related skeletal myopathy; Hypertrophic cardiomyopathy 1; Myopathy, myosin storage, autosomal recessive; Myosin storage myopathy; Dilated cardiomyopathy 1S. Last evaluated: 2024-05-07. Review status: criteria provided, single submitter. Criteria: ACMG Guidelines, 2015. Collection method: clinical testing. Allele origin: germline.

Literature cited by the submitters: PubMed 30297972 (cited by Labcorp Genetics (formerly Invitae), Labcorp); PubMed 15358028 (cited by Labcorp Genetics (formerly Invitae), Labcorp); PubMed 15563892 (cited by Labcorp Genetics (formerly Invitae), Labcorp); PubMed 21252143 (cited by Labcorp Genetics (formerly Invitae), Labcorp); PubMed 22765922 (cited by Labcorp Genetics (formerly Invitae), Labcorp); PubMed 24093860 (cited by Labcorp Genetics (formerly Invitae), Labcorp).

NM_000257.4(MYH7):c.428G>C (p.Arg143Pro)

Gene: MYH7 (myosin heavy chain 7; minus strand). Cytogenetic location: 14q11.2.
Variant type: single nucleotide variant.
Coding change: c.428G>C on transcript NM_000257.4 (MANE Select); coding-DNA position 428, G replaced by C.
Protein change: p.Arg143Pro; replaces arginine 143 with proline.
Molecular consequence: missense variant.
Genome position (GRCh38, 1-based): chr14:23,432,713, C>G on the plus strand (G>C on the coding strand, the complement: MYH7 is on the minus strand). VCF-style: chr14-23432713-C-G. GRCh37 (hg19) VCF-style: chr14-23901922-C-G.
Other names: short protein forms R143P.
Identifiers: ClinVar variation 1501114 (VCV001501114.8), dbSNP rs397516209, ClinGen allele CA389052838.